The following is an entry in ClinVar:

ClinVar aggregate classification (germline): Uncertain significance. Review status: criteria provided, multiple submitters, no conflicts (2 of 4 stars). 3 submissions from 3 submitters: Uncertain significance (3). Last evaluated 2024-11-04.

Conditions:
Hereditary cancer-predisposing syndrome. Also called: Neoplastic Syndromes, Hereditary; Tumor predisposition; Hereditary Cancer Syndrome; Hereditary neoplastic syndrome. Identifiers: Orphanet 140162, MedGen C0027672, MeSH D009386, MONDO:0015356.
Ataxia-telangiectasia syndrome (AT). Also called: LOUIS-BAR SYNDROME; Cerebello-oculocutaneous telangiectasia; Immunodeficiency with ataxia telangiectasia; Ataxia telangiectasia (A-T); Ataxia-telangiectasia, complementation group D; AT, COMPLEMENTATION GROUP C. Identifiers: Orphanet 100, MedGen C0004135, MONDO:0008840, OMIM 208900.

Submissions (3):

Department of Pathology and Laboratory Medicine, Sinai Health System
Classification: Uncertain significance for Hereditary cancer-predisposing syndrome. Last evaluated: 2024-11-04. Review status: criteria provided, single submitter. Criteria: ACMG Guidelines, 2015. Collection method: clinical testing. Allele origin: de novo. Affected: yes.
Comment: The ATM p.Asp2889Glu variant was not identified in the literature nor was it identified in the dbSNP, ClinVar, LOVD 3.0, Exome Aggregation Consortium (August 8th 2016) or the Genome Aggregation Database (Feb 27, 2017). The p.Asp2889 residue is conserved in mammals and computational analyses (PolyPhen-2, SIFT, AlignGVGD, MutationTaster) provide inconsistent predictions regarding the impact to the protein; this information is not very predictive of pathogenicity. The variant occurs outside of the splicing consensus sequence and in silico or computational prediction software programs (SpliceSiteFinder, MaxEntScan, NNSPLICE, GeneSplicer) do not predict a difference in splicing. In summary, based on the above information the clinical significance of this variant cannot be determined with certainty at this time. This variant is classified as a variant of uncertain significance.

Ambry Genetics
Classification: Uncertain significance for Hereditary cancer-predisposing syndrome. Last evaluated: 2024-06-17. Review status: criteria provided, single submitter. Criteria: Ambry Variant Classification Scheme 2023. Collection method: clinical testing. Allele origin: germline.
Comment: The p.D2889E variant (also known as c.8667T>A), located in coding exon 58 of the ATM gene, results from a T to A substitution at nucleotide position 8667. The aspartic acid at codon 2889 is replaced by glutamic acid, an amino acid with highly similar properties. This amino acid position is highly conserved in available vertebrate species. In addition, this alteration is predicted to be deleterious by in silico analysis. Based on the available evidence, the clinical significance of this variant remains unclear.

Labcorp Genetics (formerly Invitae), Labcorp
Classification: Uncertain significance for Ataxia-telangiectasia syndrome. Last evaluated: 2020-11-24. Review status: criteria provided, single submitter. Criteria: Invitae Variant Classification Sherloc (09022015). Collection method: clinical testing. Allele origin: germline.
Comment: This sequence change replaces aspartic acid with glutamic acid at codon 2889 of the ATM protein (p.Asp2889Glu). The aspartic acid residue is highly conserved and there is a small physicochemical difference between aspartic acid and glutamic acid. This variant is not present in population databases (ExAC no frequency). This variant has not been reported in the literature in individuals with ATM-related conditions. Advanced modeling of protein sequence and biophysical properties (such as structural, functional, and spatial information, amino acid conservation, physicochemical variation, residue mobility, and thermodynamic stability) performed at Invitae indicates that this missense variant is expected to disrupt ATM protein function. In summary, the available evidence is currently insufficient to determine the role of this variant in disease. Therefore, it has been classified as a Variant of Uncertain Significance.

NM_000051.4(ATM):c.8667T>A (p.Asp2889Glu)

Genes: ATM (ATM serine/threonine kinase; plus strand), C11orf65 (chromosome 11 open reading frame 65; minus strand). Cytogenetic location: 11q22.3.
Variant type: single nucleotide variant.
Coding change: c.8667T>A on transcript NM_000051.4 (MANE Select); coding-DNA position 8667, T replaced by A.
Protein change: p.Asp2889Glu; replaces aspartic acid 2889 with glutamic acid.
Molecular consequence: missense variant. On other transcripts: intron variant (2).
Genome position (GRCh38, 1-based): chr11:108,347,361, T>A. VCF-style: chr11-108347361-T-A. GRCh37 (hg19) VCF-style: chr11-108218088-T-A.
Other names: c.8667T>A, p.Asp2889Glu (NM_001351834.2); c.641-38290A>T (NM_001330368.2); c.695-12069A>T (NM_001351110.2); short protein forms D2889E.
Identifiers: ClinVar variation 1488336 (VCV001488336.11), dbSNP rs1565567506, ClinGen allele CA382521309.